The following is an entry in ClinVar:

NM_002911.4(UPF1):c.2659C>T (p.His887Tyr)

Gene: UPF1 (UPF1 RNA helicase and ATPase; plus strand). Cytogenetic location: 19p13.11.
Variant type: single nucleotide variant.
Coding change: c.2659C>T on transcript NM_002911.4 (MANE Select); coding-DNA position 2659, C replaced by T.
Protein change: p.His887Tyr; replaces histidine 887 with tyrosine.
Molecular consequence: missense variant.
Genome position (GRCh38, 1-based): chr19:18,863,496, C>T. VCF-style: chr19-18863496-C-T. GRCh37 (hg19) VCF-style: chr19-18974305-C-T.
Other names: c.2692C>T, p.His898Tyr (NM_001297549.2); short protein forms H887Y, H898Y.
Identifiers: ClinVar variation 4602277 (VCV004602277.1).

ClinVar aggregate classification (germline): Uncertain significance (1 of 4 stars; one submission).

gnomAD v4.1: 1 of 1,613,932 alleles (0.000062%); highest among the groups gnomAD compares: Non-Finnish European, 0.000085%; no homozygotes.

Submission:

Ambry Genetics
Classification: Uncertain significance. Last evaluated: 2025-10-07. Review status: criteria provided, single submitter. Criteria: Ambry Variant Classification Scheme 2023. Collection method: clinical testing. Allele origin: germline.
Comment: The c.2659C>T (p.H887Y) alteration is located in exon 19 (coding exon 19) of the UPF1 gene. This alteration results from a C to T substitution at nucleotide position 2659, causing the histidine (H) at amino acid position 887 to be replaced by a tyrosine (Y). Based on data from gnomAD, the T allele has an overall frequency of <0.001% (1/251222) total alleles studied. The highest observed frequency was 0.006% (1/16256) of African alleles. Based on insufficient or conflicting evidence, the clinical significance of this alteration remains unclear.